The following is an entry in ClinVar:

ClinVar aggregate classification (germline): Benign/Likely benign. Review status: criteria provided, multiple submitters, no conflicts (2 of 4 stars). 2 submissions from 2 submitters: Benign (1); Likely benign (1). Last evaluated 2025-09-02.

Conditions:
MTR-related disorder. Also called: MTR-related condition.
Methylcobalamin deficiency type cblG (HMAG). Also called: HOMOCYSTINURIA-MEGALOBLASTIC ANEMIA DUE TO DEFECT IN COBALAMIN METABOLISM, cblG COMPLEMENTATION TYPE; HOMOCYSTINURIA-MEGALOBLASTIC ANEMIA, cblG COMPLEMENTATION TYPE; Functional methionine synthase deficiency type cblG; HOMOCYSTINURIA-MEGALOBLASTIC ANEMIA, cblG TYPE. Identifiers: Orphanet 2170, Orphanet 622, MedGen C1855128, MONDO:0009609, OMIM 250940.

Allele frequency attached by ClinVar (database versions not stated): TOPMed 0.00002; gnomAD 0.00006; ExAC 0.00040; gnomAD exomes 0.00042; 1000 Genomes Project 30x 0.00062; 1000 Genomes Project 0.00080.
gnomAD v4.1: 273 of 1,613,692 alleles (0.017%); highest among the groups gnomAD compares: South Asian, 0.29%; 6 homozygotes.

Submissions (2):

Labcorp Genetics (formerly Invitae), Labcorp
Classification: Benign for Methylcobalamin deficiency type cblG. Last evaluated: 2025-09-02. Review status: criteria provided, single submitter. Criteria: Invitae Variant Classification Sherloc (09022015). Collection method: clinical testing. Allele origin: germline.

PreventionGenetics, part of Exact Sciences
Classification: Likely benign for MTR-related condition. Last evaluated: 2025-04-28. Review status: criteria provided, single submitter. Criteria: ACMG Guidelines, 2015. Collection method: clinical testing. Allele origin: germline.
Comment: This variant is classified as likely benign based on ACMG/AMP sequence variant interpretation guidelines (Richards et al. 2015 PMID: 25741868, with internal and published modifications).

NM_000254.3(MTR):c.1959A>C (p.Gln653His)

Gene: MTR (5-methyltetrahydrofolate-homocysteine methyltransferase; plus strand). Cytogenetic location: 1q43.
Variant type: single nucleotide variant.
Coding change: c.1959A>C on transcript NM_000254.3 (MANE Select); coding-DNA position 1959, A replaced by C.
Protein change: p.Gln653His; replaces glutamine 653 with histidine.
Molecular consequence: missense variant.
Genome position (GRCh38, 1-based): chr1:236,859,838, A>C. VCF-style: chr1-236859838-A-C. GRCh37 (hg19) VCF-style: chr1-237023138-A-C.
Other names: c.1959A>C (NM_000254.2); c.1959A>C, p.Gln653His (NM_001291939.1); c.738A>C, p.Gln246His (NM_001291940.2); short protein forms Q246H, Q653H.
Identifiers: ClinVar variation 1542591 (VCV001542591.9), dbSNP rs562769000, ClinGen allele CA1474230.